The following is an entry in ClinVar:

ClinVar aggregate classification (germline): Uncertain significance. Review status: criteria provided, multiple submitters, no conflicts (2 of 4 stars). 3 submissions from 3 submitters: Uncertain significance (3). Last evaluated 2022-02-04.

Conditions:
Hereditary spastic paraplegia 11. Also called: SPASTIC PARAPLEGIA, AUTOSOMAL RECESSIVE, COMPLICATED, WITH THIN CORPUS CALLOSUM; SPASTIC PARAPLEGIA, AUTOSOMAL RECESSIVE, WITH MENTAL IMPAIRMENT AND THIN CORPUS CALLOSUM; Spastic Paraplegia 11; Nakamura Osame syndrome; Autosomal recessive hereditary spastic paraplegia, mental impairment, and thin corpus callosum; Spastic paraplegia, mental retardation and thin corpus callosum. Identifiers: Orphanet 2822, MedGen C1858479, MONDO:0011445, OMIM 604360.
Inborn genetic diseases. Identifiers: MedGen C0950123, MeSH D030342.

Allele frequency attached by ClinVar (database versions not stated): gnomAD 0.00001; gnomAD exomes 0.00001; TOPMed 0.00001.
gnomAD v4.1: 18 of 1,614,104 alleles (0.0011%); highest among the groups gnomAD compares: Middle Eastern, 0.066%; no homozygotes.

Submissions (3):

Labcorp Genetics (formerly Invitae), Labcorp
Classification: Uncertain significance for Hereditary spastic paraplegia 11. Last evaluated: 2022-02-04. Review status: criteria provided, single submitter. Criteria: Invitae Variant Classification Sherloc (09022015). Collection method: clinical testing. Allele origin: germline.
Comment: This sequence change replaces glutamic acid, which is acidic and polar, with lysine, which is basic and polar, at codon 426 of the SPG11 protein (p.Glu426Lys). This variant is present in population databases (no rsID available, gnomAD 0.004%). This variant has not been reported in the literature in individuals affected with SPG11-related conditions. Algorithms developed to predict the effect of missense changes on protein structure and function output the following: SIFT: "Tolerated"; PolyPhen-2: "Benign"; Align-GVGD: "Class C0". The lysine amino acid residue is found in multiple mammalian species, which suggests that this missense change does not adversely affect protein function. In summary, the available evidence is currently insufficient to determine the role of this variant in disease. Therefore, it has been classified as a Variant of Uncertain Significance.

Ambry Genetics
Classification: Uncertain significance for Inborn genetic diseases. Last evaluated: 2020-04-13. Review status: criteria provided, single submitter. Criteria: Ambry Variant Classification Scheme 2023. Collection method: clinical testing. Allele origin: germline.
Comment: The p.E426K variant (also known as c.1276G>A), located in coding exon 6 of the SPG11 gene, results from a G to A substitution at nucleotide position 1276. The glutamic acid at codon 426 is replaced by lysine, an amino acid with similar properties. This amino acid position is not well conserved in available vertebrate species, and lysine is the reference amino acid in other vertebrate species. In addition, this alteration is predicted to be tolerated by in silico analysis. Since supporting evidence is limited at this time, the clinical significance of this alteration remains unclear.

Breakthrough Genomics
Classification: Uncertain significance. Review status: criteria provided, single submitter. Criteria: ACMG Guidelines, 2015. Collection method: not provided. Allele origin: germline. Inheritance: Autosomal recessive inheritance. Affected: yes.

NM_025137.4(SPG11):c.1276G>A (p.Glu426Lys)

Gene: SPG11 (SPG11 vesicle trafficking associated, spatacsin; minus strand). Cytogenetic location: 15q21.1.
Variant type: single nucleotide variant.
Coding change: c.1276G>A on transcript NM_025137.4 (MANE Select); coding-DNA position 1276, G replaced by A.
Protein change: p.Glu426Lys; replaces glutamic acid 426 with lysine.
Molecular consequence: missense variant.
Genome position (GRCh38, 1-based): chr15:44,651,671, C>T on the plus strand (G>A on the coding strand, the complement: SPG11 is on the minus strand). VCF-style: chr15-44651671-C-T. GRCh37 (hg19) VCF-style: chr15-44943869-C-T.
Other names: c.1276G>A, p.Glu426Lys (NM_001160227.2); short protein forms E426K.
Identifiers: ClinVar variation 1364116 (VCV001364116.8), dbSNP rs1158245810, ClinGen allele CA392236193.
Genomic context (GRCh38, chr15:44,651,671, plus strand): 5'-TCCTTTCCACTTCCCAAGTAAACAGTGCAGTGAATCCTGTCACAGACACACATTTAAGCT[C>T]TATGGGTTCCTCTTGTTCACTGATGTGCATTATTTTCCATGATCTTCCTGGATCACTGGT-3'
Protein context (NP_079413.3, residues 416-436): MHISEQEEPI[Glu426Lys]LKCVSVTGFT